The following is an entry in ClinVar:

ClinVar aggregate classification (germline): Pathogenic/Likely pathogenic. Review status: criteria provided, multiple submitters, no conflicts (2 of 4 stars). 4 submissions from 4 submitters: Pathogenic (1); Likely pathogenic (3). Last evaluated 2026-10-01.

Conditions:
Retinitis pigmentosa 12 (RP12). Also called: RP WITH OR WITHOUT PRESERVED PARAARTERIOLE RETINAL PIGMENT EPITHELIUM; RETINITIS PIGMENTOSA WITH OR WITHOUT PARAARTERIOLAR PRESERVATION OF RETINAL PIGMENT EPITHELIUM; RP WITH OR WITHOUT PPRPE. Identifiers: Orphanet 791, MedGen C1838647, MONDO:0010818, OMIM 600105.
Leber congenital amaurosis 8 (LCA8). Identifiers: Orphanet 65, MedGen C3151202, MONDO:0013453, OMIM 613835.

Submissions (4):

Institute of Medical Genetics and Applied Genomics, University Hospital Tübingen
Classification: Likely pathogenic for Retinitis pigmentosa 12. Last evaluated: 2026-10-01. Review status: criteria provided, single submitter. Criteria: ACMG Guidelines, 2015. Collection method: clinical testing. Allele origin: germline. Inheritance: Autosomal recessive inheritance. Affected: yes.

First Genomix Gene Laboratory, Genetic Diagnostics Department
Classification: Likely pathogenic for Leber congenital amaurosis 8; Retinitis pigmentosa 12. Last evaluated: 2025-02-21. Review status: criteria provided, single submitter. Criteria: ACMG Guidelines, 2015. Collection method: clinical testing. Allele origin: germline. Inheritance: Autosomal recessive inheritance. Affected: no. Observed: 1 variant allele.

Baylor Genetics
Classification: Likely pathogenic for Leber congenital amaurosis 8. Last evaluated: 2024-03-10. Review status: criteria provided, single submitter. Criteria: ACMG Guidelines, 2015. Collection method: clinical testing. Allele origin: unknown.

Labcorp Genetics (formerly Invitae), Labcorp
Classification: Pathogenic for Leber congenital amaurosis 8; Retinitis pigmentosa 12. Last evaluated: 2023-01-11. Review status: criteria provided, single submitter. Criteria: Invitae Variant Classification Sherloc (09022015). Collection method: clinical testing. Allele origin: germline.
Comment: This variant is not present in population databases (gnomAD no frequency). For these reasons, this variant has been classified as Pathogenic. This variant has not been reported in the literature in individuals affected with CRB1-related conditions. This sequence change creates a premature translational stop signal (p.Tyr208*) in the CRB1 gene. It is expected to result in an absent or disrupted protein product. Loss-of-function variants in CRB1 are known to be pathogenic (PMID: 10508521, 22065545, 23379534, 25412400, 26957898, 28041643, 29391521).

Literature cited by the submitters: PubMed 10508521 (cited by Labcorp Genetics (formerly Invitae), Labcorp); PubMed 22065545 (cited by Labcorp Genetics (formerly Invitae), Labcorp); PubMed 23379534 (cited by Labcorp Genetics (formerly Invitae), Labcorp); PubMed 25412400 (cited by Labcorp Genetics (formerly Invitae), Labcorp); PubMed 26957898 (cited by Labcorp Genetics (formerly Invitae), Labcorp); PubMed 28041643 (cited by Labcorp Genetics (formerly Invitae), Labcorp); PubMed 29391521 (cited by Labcorp Genetics (formerly Invitae), Labcorp).

NM_201253.3(CRB1):c.624T>G (p.Tyr208Ter)

Gene: CRB1 (crumbs cell polarity complex component 1; plus strand). Cytogenetic location: 1q31.3.
Variant type: single nucleotide variant.
Coding change: c.624T>G on transcript NM_201253.3 (MANE Select); coding-DNA position 624, T replaced by G.
Protein change: p.Tyr208Ter; replaces tyrosine 208 with a stop codon.
Molecular consequence: nonsense. On other transcripts: non-coding transcript variant (2).
Genome position (GRCh38, 1-based): chr1:197,328,975, T>G. VCF-style: chr1-197328975-T-G. GRCh37 (hg19) VCF-style: chr1-197298105-T-G.
Other names: c.624T>G, p.Tyr208Ter (NM_001193640.2, NM_001257966.2); c.417T>G, p.Tyr139Ter (NM_001257965.2); short protein forms Y139*, Y208*.
Identifiers: ClinVar variation 2680968 (VCV002680968.7), dbSNP rs1658697788, ClinGen allele CA344081701.
Genomic context (GRCh38, chr1:197,328,975, plus strand): 5'-TGAATGTGCTTCAGATCCCTGCAAGAACGAGGCTACATGCCTCAATGAAATAGGAAGATA[T>G]ACTTGTATCTGTCCCCACAATTATTCTGGTAAGTGTGATCATATCTGAATCACAGATGGT-3'